The following is an entry in ClinVar:

NM_021116.4(ADCY1):c.2187T>C (p.His729=)

Gene: ADCY1 (adenylate cyclase 1; plus strand). Cytogenetic location: 7p12.3.
Variant type: single nucleotide variant.
Coding change: c.2187T>C on transcript NM_021116.4 (MANE Select); coding-DNA position 2187, T replaced by C.
Protein change: p.His729=; no amino-acid change (histidine 729 retained).
Molecular consequence: synonymous variant.
Genome position (GRCh38, 1-based): chr7:45,686,075, T>C. VCF-style: chr7-45686075-T-C. GRCh37 (hg19) VCF-style: chr7-45725674-T-C.
Identifiers: ClinVar variation 929871 (VCV000929871.4), dbSNP rs145126980, ClinGen allele CA4249167.
Genomic context (GRCh38, chr7:45,686,075, plus strand): 5'-CCTTTCGTCTGGGGGCCAGCGCACAGCCCTGCCCACCCTGCCCTGCGAGTCTACACACCA[T>C]GCCCTGCTCTGCTGCCTGGTGGGCACCCTCCCGCTAGCCATATTTTTCCGGGTGTCCTCC-3'
Protein context (NP_066939.1, residues 719-739): LPTLPCESTH[His729=]ALLCCLVGTL

ClinVar aggregate classification (germline): Likely benign (1 of 4 stars; one submission).

Allele frequency attached by ClinVar (database versions not stated): ExAC 0.00002; gnomAD exomes 0.00002; TOPMed 0.00006; gnomAD 0.00007 and 0.00009; ESP Exome Variant Server 0.00015.
gnomAD v4.1: 23 of 1,612,326 alleles (0.0014%); highest among the groups gnomAD compares: African/African-American, 0.029%; no homozygotes.

Submission:

Laboratory for Molecular Medicine, Mass General Brigham Personalized Medicine
Classification: Likely benign. Last evaluated: 2017-08-23. Review status: criteria provided, single submitter. Criteria: LMM Criteria. Collection method: clinical testing. Allele origin: germline. Observed: 1 variant allele.
Comment: p.His729His in exon 13 of ADCY1: This variant is not expected to have clinical significance because it does not alter an amino acid residue and is not located within the splice consensus sequence. It has been identified in 0.02% (2/10392) of African chromosomes by the Exome Aggregation Consortium (ExAC; dbSNP rs145126980).